The following is an entry in ClinVar:

NM_018941.4(CLN8):c.209G>A (p.Arg70His)

Gene: CLN8 (CLN8 transmembrane ER and ERGIC protein; plus strand). Cytogenetic location: 8p23.3.
Variant type: single nucleotide variant.
Coding change: c.209G>A on transcript NM_018941.4 (MANE Select); coding-DNA position 209, G replaced by A.
Protein change: p.Arg70His; replaces arginine 70 with histidine.
Molecular consequence: missense variant.
Genome position (GRCh38, 1-based): chr8:1,771,263, G>A. VCF-style: chr8-1771263-G-A. GRCh37 (hg19) VCF-style: chr8-1719429-G-A.
Other names: short protein forms R70H.
Identifiers: ClinVar variation 56704 (VCV000056704.20), dbSNP rs386834124, ClinGen allele CA264159.
Genomic context (GRCh38, chr8:1,771,263, plus strand): 5'-ATGCCACTTACCGTTCTTTGGTGGCCAGAGAGAAGGTCTTCTGGGACCTGGCGGCCACGC[G>A]TGCAGTCTTTGGTGTTCAGAGCACAGCCGCAGGCCTGTGGGCTCTGCTGGGGGACCCTGT-3'
Protein context (NP_061764.2, residues 60-80): EKVFWDLAAT[Arg70His]AVFGVQSTAA

ClinVar aggregate classification (germline): Pathogenic/Likely pathogenic. Review status: criteria provided, multiple submitters, no conflicts (2 of 4 stars). 9 submissions from 9 submitters: Pathogenic (1); Likely pathogenic (6). 2 of the submissions do not count toward it. Last evaluated 2026-10-09.

Conditions:
Inborn genetic diseases. Identifiers: MedGen C0950123, MeSH D030342.
Neuronal ceroid lipofuscinosis. Also called: Neuronal Ceroid Lipofuscinoses. Identifiers: Orphanet 216, Orphanet 79263, MedGen C0027877, MONDO:0016295. Disease mechanism: loss of function.
Neuronal ceroid lipofuscinosis 8 (CLN8). Also called: CLN8-Related Neuronal Ceroid-Lipofuscinosis. Identifiers: Orphanet 168491, Orphanet 228354, Orphanet 79264, MedGen C1838570, MONDO:0010830, OMIM 600143.

Allele frequency attached by ClinVar (database versions not stated): ExAC 0.00003; gnomAD 0.00001; TOPMed 0.00001; gnomAD exomes 0.00003.
gnomAD v4.1: 19 of 1,613,746 alleles (0.0012%); highest among the groups gnomAD compares: South Asian, 0.0033%; no homozygotes.

Submissions (9):

GeneDx
Classification: Likely pathogenic. Last evaluated: 2026-10-09. Review status: criteria provided, single submitter. Criteria: GeneDx Variant Classification Process June 2021. Collection method: clinical testing. Allele origin: germline.
Comment: Not observed at significant frequency in large population cohorts (gnomAD); In silico analysis indicates that this missense variant does not alter protein structure/function; This variant is associated with the following publications: (PMID: 31130284, 21990111, AnwarA_2026_Article)

Labcorp Genetics (formerly Invitae), Labcorp
Classification: Pathogenic for Neuronal ceroid lipofuscinosis. Last evaluated: 2025-07-07. Review status: criteria provided, single submitter. Criteria: Invitae Variant Classification Sherloc (09022015). Collection method: clinical testing. Allele origin: germline.
Comment: This sequence change replaces arginine, which is basic and polar, with histidine, which is basic and polar, at codon 70 of the CLN8 protein (p.Arg70His). This variant is present in population databases (rs386834124, gnomAD 0.01%). This missense change has been observed in individuals with clinical features of CLN8-related conditions (PMID: 21990111, 31130284). ClinVar contains an entry for this variant (Variation ID: 56704). Invitae Evidence Modeling of protein sequence and biophysical properties (such as structural, functional, and spatial information, amino acid conservation, physicochemical variation, residue mobility, and thermodynamic stability) has been performed for this missense variant. However, the output from this modeling did not meet the statistical confidence thresholds required to predict the impact of this variant on CLN8 protein function. For these reasons, this variant has been classified as Pathogenic.

Natera, Inc.
Classification: Likely pathogenic for Neuronal ceroid lipofuscinosis 8. Last evaluated: 2025-03-31. Review status: criteria provided, single submitter. Criteria: Natera Variant Classification Schema (03/2026). Collection method: clinical testing. Allele origin: germline.
Comment: The c.209G>A variant in CLN8 is a missense variant predicted to cause substitution of arginine to histidine at amino acid 70. This variant is rare in the general population with a frequency below the threshold expected for the associated phenotype(s). This variant has been observed in one or more individuals affected with the associated recessive disease, as either homozygous or compound heterozygous with a second variant (PMID: 21990111). A different variant at the same position has been determined to be Pathogenic or Likely Pathogenic. Computational prediction algorithms indicate this variant is likely to affect gene or protein function. Given the available evidence, this variant is classified as Likely Pathogenic.

Genomic Medicine Center of Excellence, King Faisal Specialist Hospital and Research Centre
Classification: Likely pathogenic for Neuronal ceroid lipofuscinosis 8. Last evaluated: 2024-03-26. Review status: criteria provided, single submitter. Criteria: ACMG Guidelines, 2015. Collection method: clinical testing. Allele origin: germline.

Women's Health and Genetics/Laboratory Corporation of America, LabCorp
Classification: Likely pathogenic for Neuronal ceroid lipofuscinosis. Last evaluated: 2023-03-09. Review status: criteria provided, single submitter. Criteria: LabCorp Variant Classification Summary - May 2015. Collection method: clinical testing. Allele origin: germline.
Comment: Variant summary: CLN8 c.209G>A (p.Arg70His) results in a non-conservative amino acid change located in the TRAM/LAG1/CLN8 homology domain (IPR006634) of the encoded protein sequence. Five of five in-silico tools predict a damaging effect of the variant on protein function. The variant allele was found at a frequency of 2.8e-05 in 251400 control chromosomes (gnomAD). c.209G>A has been reported in the literature in individuals affected with Neuronal Ceroid-Lipofuscinosis (Batten Disease) (Kousi_2011, Santorelli_2013, Monies_2019). These data indicate that the variant is likely to be associated with disease. To our knowledge, no experimental evidence demonstrating an impact on protein function has been reported. In addition, another missense variant in the same residue (R70C) has have been reported in the Human Gene Mutation Database in association with Epilepsy (PMID: 31069529) and classified as likely pathogenic in ClinVar database, supporting the functional importance of this residue of the protein. Three ClinVar submitters (evaluation after 2014) cite this variant as pathogenic (n=1) and likely pathogenic (n=2). Based on the evidence outlined above, the variant was classified as likely pathogenic.

Ambry Genetics
Classification: Likely pathogenic for Inborn genetic diseases. Last evaluated: 2021-11-03. Review status: criteria provided, single submitter. Criteria: Ambry Variant Classification Scheme 2023. Collection method: clinical testing. Allele origin: germline.
Comment: The c.209G>A (p.R70H) alteration is located in exon 2 (coding exon 1) of the CLN8 gene. This alteration results from a G to A substitution at nucleotide position 209, causing the arginine (R) at amino acid position 70 to be replaced by a histidine (H). Based on data from gnomAD, the A allele has an overall frequency of <0.01% (7/251400) total alleles studied. The highest observed frequency was 0.01% (2/18394) of East Asian alleles. In a late infantile neuronal ceroid lipofuscinosis cohort, this alteration was detected as homozygous in two unrelated individuals and as compound heterozygous with a second CLN8 variant in another unrelated individual (Kousi, 2012). This amino acid position is highly conserved in available vertebrate species. This alteration is predicted to be deleterious by in silico analysis. Based on the available evidence, this alteration is classified as likely pathogenic.

Baylor Genetics
Classification: Likely pathogenic for Neuronal ceroid lipofuscinosis 8. Review status: criteria provided, single submitter. Criteria: ACMG Guidelines, 2015. Collection method: clinical testing. Allele origin: unknown.

Counsyl
Classification: Likely pathogenic for Neuronal ceroid lipofuscinosis 8. Last evaluated: 2017-06-13. Review status: no assertion criteria provided. Collection method: clinical testing. Allele origin: unknown. Not counted in ClinVar's aggregate classification.

Juha Muilu Group; Institute for Molecular Medicine Finland (FIMM)
Classification: Likely pathogenic for Ceroid lipofuscinosis neuronal 8. Review status: no assertion criteria provided. Collection method: not provided. Allele origin: unknown. Not counted in ClinVar's aggregate classification.
Comment: FinDis database variant: This variant was not found or characterized by our laboratory, data were collected from public sources: see reference
ClinVar note: Converted during submission from probable-pathogenic to Likely pathogenic.

Literature cited by the submitters: PubMed 21990111 (cited by 5 submitters); PubMed 31130284 (cited by Labcorp Genetics (formerly Invitae), Labcorp and Women's Health and Genetics/Laboratory Corporation of America, LabCorp); PubMed 23374165 (cited by Women's Health and Genetics/Laboratory Corporation of America, LabCorp); PubMed 30919163 (cited by Women's Health and Genetics/Laboratory Corporation of America, LabCorp); PubMed 27553520 (cited by Women's Health and Genetics/Laboratory Corporation of America, LabCorp).